The following is an entry in ClinVar:

ClinVar aggregate classification (germline): Uncertain significance (1 of 4 stars; one submission).

Conditions:
Hereditary cancer-predisposing syndrome. Also called: Neoplastic Syndromes, Hereditary; Tumor predisposition; Hereditary neoplastic syndrome; Hereditary Cancer Syndrome. Identifiers: Orphanet 140162, MedGen C0027672, MeSH D009386, MONDO:0015356.

Submission:

Ambry Genetics
Classification: Uncertain significance for Hereditary cancer-predisposing syndrome. Last evaluated: 2026-07-21. Review status: criteria provided, single submitter. Criteria: Ambry Variant Classification Scheme 2023. Collection method: clinical testing. Allele origin: germline.
Comment: The c.347_348delCCinsGT variant, located in coding exon 1 of the HOXB13 gene, results from an in-frame deletion of CC and insertion of GT at nucleotide positions 347 to 348. This results in the substitution of the alanine residue for a glycine residue at codon 116, an amino acid with similar properties. This amino acid position is not well conserved in available vertebrate species. In addition, this variant is predicted to be neutral by in silico analysis (Choi Y et al. PLoS ONE. 2012; 7(10):e46688). Based on the available evidence, the clinical significance of this variant remains unclear.

NM_006361.6(HOXB13):c.347_348delinsGT (p.Ala116Gly)

Gene: HOXB13 (homeobox B13; minus strand). Cytogenetic location: 17q21.32.
Variant type: Indel.
Coding change: c.347_348delinsGT on transcript NM_006361.6 (MANE Select); coding-DNA positions 347 to 348, CC replaced by GT.
Protein change: p.Ala116Gly; replaces alanine 116 with glycine.
Molecular consequence: missense variant.
Genome position (GRCh38, 1-based): chr17:48,728,246-48,728,247, GG replaced by AC on the plus strand (CC replaced by GT on the coding strand, the reverse complement: HOXB13 is on the minus strand). VCF-style: chr17-48728246-GG-AC. GRCh37 (hg19) VCF-style: chr17-46805608-GG-AC.
Other names: short protein forms A116G.
Identifiers: ClinVar variation 5022701 (VCV005022701.1).